The following is an entry in ClinVar:

NM_006946.4(SPTBN2):c.6890A>C (p.Lys2297Thr)

Gene: SPTBN2 (spectrin beta, non-erythrocytic 2; minus strand). Cytogenetic location: 11q13.2.
Variant type: single nucleotide variant.
Coding change: c.6890A>C on transcript NM_006946.4 (MANE Select); coding-DNA position 6890, A replaced by C.
Protein change: p.Lys2297Thr; replaces lysine 2297 with threonine.
Molecular consequence: missense variant.
Genome position (GRCh38, 1-based): chr11:66,687,000, T>G on the plus strand (A>C on the coding strand, the complement: SPTBN2 is on the minus strand). VCF-style: chr11-66687000-T-G. GRCh37 (hg19) VCF-style: chr11-66454471-T-G.
Other names: c.6911A>C, p.Lys2304Thr (NM_001411025.1); short protein forms K2297T, K2304T.
Identifiers: ClinVar variation 2874214 (VCV002874214.3), dbSNP rs766981787, ClinGen allele CA224074412.
Genomic context (GRCh38, chr11:66,687,000, plus strand): 5'-CTGTGTCACTCCCAACTCTCCTCCCATCCCGAGAGCACTGTTCCCTGTTCCTACCCCAGC[T>G]TGAAGACATGTTTGCGCTTTCGGTAATCAAAGGCGACGCTGCCCTGGGCCCTGGCCAGGC-3'
Protein context (NP_008877.2, residues 2287-2307): FDYRKRKHVF[Lys2297Thr]LGLQDGKEYL

ClinVar aggregate classification (germline): Uncertain significance (1 of 4 stars; one submission).

Allele frequency attached by ClinVar (database versions not stated): TOPMed below 0.00001; gnomAD 0.00001.
gnomAD v4.1: 1 of 1,613,872 alleles (0.000062%); highest among the groups gnomAD compares: African/African-American, 0.0013%; no homozygotes.

Submission:

Labcorp Genetics (formerly Invitae), Labcorp
Classification: Uncertain significance. Last evaluated: 2023-01-26. Review status: criteria provided, single submitter. Criteria: Invitae Variant Classification Sherloc (09022015). Collection method: clinical testing. Allele origin: germline.
Comment: Advanced modeling of protein sequence and biophysical properties (such as structural, functional, and spatial information, amino acid conservation, physicochemical variation, residue mobility, and thermodynamic stability) performed at Invitae indicates that this missense variant is not expected to disrupt SPTBN2 protein function. In summary, the available evidence is currently insufficient to determine the role of this variant in disease. Therefore, it has been classified as a Variant of Uncertain Significance. This variant has not been reported in the literature in individuals affected with SPTBN2-related conditions. This variant is not present in population databases (gnomAD no frequency). This sequence change replaces lysine, which is basic and polar, with threonine, which is neutral and polar, at codon 2297 of the SPTBN2 protein (p.Lys2297Thr).